The following is an entry in ClinVar:

NM_024725.4(CCDC82):c.205del (p.Ser69fs)

Gene: CCDC82 (coiled-coil domain containing 82; minus strand). Cytogenetic location: 11q21.
Variant type: Deletion.
Coding change: c.205del on transcript NM_024725.4 (MANE Select); coding-DNA position 205, one base deleted (A; older notation c.205delA).
Protein change: p.Ser69fs; shifts the reading frame from serine 69.
Molecular consequence: frameshift variant.
Genome position (GRCh38, 1-based): chr11:96,384,543, T deleted on the plus strand (A on the coding strand, the reverse complement: CCDC82 is on the minus strand). VCF-style (leftmost placement, unchanged base first): chr11-96384542-CT-C. GRCh37 (hg19) VCF-style: chr11-96117706-CT-C.
Other names: c.205del, p.Ser69fs (NM_001318736.2, NM_001318737.3, NM_001363594.2); short protein forms S69fs.
Identifiers: ClinVar variation 2571812 (VCV002571812.1), dbSNP rs2496617365, ClinGen allele CA2580616407.

ClinVar aggregate classification (germline): Uncertain significance (1 of 4 stars; one submission).

Submission:

GeneDx
Classification: Uncertain significance. Last evaluated: 2023-01-04. Review status: criteria provided, single submitter. Criteria: GeneDx Variant Classification Process June 2021. Collection method: clinical testing. Allele origin: germline. Affected: yes.
Comment: Not observed at significant frequency in large population cohorts (gnomAD); Frameshift variant predicted to result in protein truncation or nonsense mediated decay in a gene or region of a gene for which loss of function is not a well-established mechanism of disease; Has not been previously published as pathogenic or benign to our knowledge